The following is an entry in ClinVar:

ClinVar aggregate classification (germline): Likely pathogenic (1 of 4 stars; one submission).

Submission:

Labcorp Genetics (formerly Invitae), Labcorp
Classification: Likely pathogenic. Last evaluated: 2019-10-31. Review status: criteria provided, single submitter. Criteria: Invitae Variant Classification Sherloc (09022015). Collection method: clinical testing. Allele origin: germline.
Comment: This sequence change affects an acceptor splice site in intron 36 of the EYS gene. It is expected to disrupt RNA splicing and likely results in an absent or disrupted protein product. This variant is not present in population databases (ExAC no frequency). This variant has not been reported in the literature in individuals with EYS-related conditions. Algorithms developed to predict the effect of sequence changes on RNA splicing suggest that this variant may disrupt the consensus splice site, but this prediction has not been confirmed by published transcriptional studies. Donor and acceptor splice site variants typically lead to a loss of protein function (PMID: 16199547), and loss-of-function variants in EYS are known to be pathogenic (PMID: 18836446, 20333770). In summary, the currently available evidence indicates that the variant is pathogenic, but additional data are needed to prove that conclusively. Therefore, this variant has been classified as Likely Pathogenic.

Literature cited by the submitters: PubMed 16199547; PubMed 18836446; PubMed 20333770.

NM_001142800.2(EYS):c.7229-1G>T

Gene: EYS (EGF-like photoreceptor maintenance factor; minus strand). Cytogenetic location: 6q12.
Variant type: single nucleotide variant.
Coding change: c.7229-1G>T on transcript NM_001142800.2 (MANE Select); the canonical splice acceptor site of the intron before coding-DNA position 7229, G replaced by T.
Molecular consequence: splice acceptor variant.
Genome position (GRCh38, 1-based): chr6:63,806,373, C>A on the plus strand (G>T on the coding strand, the complement: EYS is on the minus strand). VCF-style: chr6-63806373-C-A. GRCh37 (hg19) VCF-style: chr6-64516266-C-A.
Other names: c.7229-1G>T (NM_001292009.2).
Identifiers: ClinVar variation 965188 (VCV000965188.8), dbSNP rs1554171033, ClinGen allele CA364388576.